The following is an entry in ClinVar:

NM_003235.5(TG):c.8055G>A (p.Trp2685Ter)

Gene: TG (thyroglobulin; plus strand). Cytogenetic location: 8q24.22.
Variant type: single nucleotide variant.
Coding change: c.8055G>A on transcript NM_003235.5 (MANE Select); coding-DNA position 8055, G replaced by A.
Protein change: p.Trp2685Ter; replaces tryptophan 2685 with a stop codon.
Molecular consequence: nonsense.
Genome position (GRCh38, 1-based): chr8:133,133,527, G>A. VCF-style: chr8-133133527-G-A. GRCh37 (hg19) VCF-style: chr8-134145771-G-A.
Other names: short protein forms W2685*.
Identifiers: ClinVar variation 1028102 (VCV001028102.1), dbSNP rs1852105706, ClinGen allele CA372253191.

ClinVar aggregate classification (germline): Pathogenic (1 of 4 stars; one submission).

Conditions:
Iodotyrosyl coupling defect (TDH3). Also called: HYPOTHYROIDISM, CONGENITAL, DUE TO DYSHORMONOGENESIS, 3; THYROID HORMONOGENESIS, GENETIC DEFECT IN, 3. Identifiers: Orphanet 95716, MedGen C0342194, MONDO:0010135, OMIM 274700.

Submission:

Baylor Genetics
Classification: Pathogenic for Iodotyrosyl coupling defect. Last evaluated: 2019-11-08. Review status: criteria provided, single submitter. Criteria: ACMG Guidelines, 2015. Collection method: clinical testing. Allele origin: unknown. Affected: yes.
Comment: This variant was determined to be pathogenic according to ACMG Guidelines, 2015 [PMID:25741868].